The following is an entry in ClinVar:

ClinVar aggregate classification (germline): Uncertain significance (1 of 4 stars; one submission).

Conditions:
Dilated cardiomyopathy 1JJ (CMD1JJ). Identifiers: Orphanet 154, MedGen C3808935, MONDO:0014095, OMIM 615235.

gnomAD v4.1: 2 of 1,613,468 alleles (0.00012%); highest among the groups gnomAD compares: South Asian, 0.0011%; no homozygotes.

Submission:

Labcorp Genetics (formerly Invitae), Labcorp
Classification: Uncertain significance for Dilated cardiomyopathy 1JJ. Last evaluated: 2025-08-26. Review status: criteria provided, single submitter. Criteria: Invitae Variant Classification Sherloc (09022015). Collection method: clinical testing. Allele origin: germline.
Comment: This sequence change replaces methionine, which is neutral and non-polar, with threonine, which is neutral and polar, at codon 339 of the LAMA4 protein (p.Met339Thr). This variant is present in population databases (rs782056385, gnomAD 0.0009%). This variant has not been reported in the literature in individuals affected with LAMA4-related conditions. Invitae Evidence Modeling of protein sequence and biophysical properties (such as structural, functional, and spatial information, amino acid conservation, physicochemical variation, residue mobility, and thermodynamic stability) indicates that this missense variant is not expected to disrupt LAMA4 protein function with a negative predictive value of 80%. In summary, the available evidence is currently insufficient to determine the role of this variant in disease. Therefore, it has been classified as a Variant of Uncertain Significance.

NM_001105206.3(LAMA4):c.1037T>C (p.Met346Thr)

Gene: LAMA4 (laminin subunit alpha 4; minus strand). Cytogenetic location: 6q21.
Variant type: single nucleotide variant.
Coding change: c.1037T>C on transcript NM_001105206.3 (MANE Select); coding-DNA position 1037, T replaced by C.
Protein change: p.Met346Thr; replaces methionine 346 with threonine.
Molecular consequence: missense variant.
Genome position (GRCh38, 1-based): chr6:112,185,277, A>G on the plus strand (T>C on the coding strand, the complement: LAMA4 is on the minus strand). VCF-style: chr6-112185277-A-G. GRCh37 (hg19) VCF-style: chr6-112506479-A-G.
Other names: c.1016T>C, p.Met339Thr (NM_001105207.3, NM_002290.5); short protein forms M339T, M346T.
Identifiers: ClinVar variation 4809734 (VCV004809734.1).